The following is an entry in ClinVar:

NM_001042681.2(RERE):c.1203+1G>A

Gene: RERE (arginine-glutamic acid dipeptide repeats; minus strand). Cytogenetic location: 1p36.23.
Variant type: single nucleotide variant.
Coding change: c.1203+1G>A on transcript NM_001042681.2 (MANE Select); the canonical splice donor site of the intron after coding-DNA position 1203, G replaced by A.
Molecular consequence: splice donor variant.
Genome position (GRCh38, 1-based): chr1:8,465,924, C>T on the plus strand (G>A on the coding strand, the complement: RERE is on the minus strand). VCF-style: chr1-8465924-C-T. GRCh37 (hg19) VCF-style: chr1-8525984-C-T.
Other names: c.1203+1G>A (NM_012102.4).
Identifiers: ClinVar variation 4863234 (VCV004863234.2).

ClinVar aggregate classification (germline): Uncertain significance (1 of 4 stars; one submission).

Conditions:
Inborn genetic diseases. Identifiers: MedGen C0950123, MeSH D030342.

gnomAD v4.1: 1 of 1,613,762 alleles (0.000062%); highest among the groups gnomAD compares: African/African-American, 0.0013%; no homozygotes.

Submission:

Ambry Genetics
Classification: Uncertain significance for Inborn genetic diseases. Last evaluated: 2026-06-24. Review status: criteria provided, single submitter. Criteria: Ambry Variant Classification Scheme 2023. Collection method: clinical testing. Allele origin: germline.
Comment: The c.1203+1G>A intronic alteration consists of a G to A substitution one nucleotide after exon 12 (coding exon 10) of the RERE gene. Variants that disrupt the canonical splice site are expected to result in aberrant splicing. The resulting transcript is predicted to be in-frame and is not expected to trigger nonsense-mediated mRNA decay. This variant was not reported in population-based cohorts in the Genome Aggregation Database (gnomAD). This nucleotide position is highly conserved in available vertebrate species. RNA studies have demonstrated that this variant results in a transcript predicted to lead to a protein with an in-frame deletion of 42 amino acid(s); however, the exact functional impact of the deleted amino acid(s) is unknown at this time (Ambry internal data). In silico splice site analysis predicts that this alteration will weaken the native splice donor site. Based on insufficient or conflicting evidence, the clinical significance of this alteration remains unclear.